The following is an entry in ClinVar:

ClinVar aggregate classification (germline): Uncertain significance (1 of 4 stars; one submission).

Conditions:
Inborn genetic diseases. Identifiers: MedGen C0950123, MeSH D030342.

Submission:

Ambry Genetics
Classification: Uncertain significance for Inborn genetic diseases. Last evaluated: 2026-09-13. Review status: criteria provided, single submitter. Criteria: Ambry Variant Classification Scheme 2023. Collection method: clinical testing. Allele origin: germline.
Comment: The p.G929R variant (also known as c.2785G>C), located in coding exon 21 of the BUB1B gene, results from a G to C substitution at nucleotide position 2785. The glycine at codon 929 is replaced by arginine, an amino acid with dissimilar properties. This amino acid position is conserved. In addition, the in silico prediction for this alteration is inconclusive. Based on the available evidence, the clinical significance of this variant remains unclear.

NM_001211.6(BUB1B):c.2785G>C (p.Gly929Arg)

Genes: BUB1B (BUB1 mitotic checkpoint serine/threonine kinase B; plus strand), BUB1B-PAK6 (BUB1B-PAK6 readthrough; plus strand). Cytogenetic location: 15q15.1.
Variant type: single nucleotide variant.
Coding change: c.2785G>C on transcript NM_001211.6 (MANE Select); coding-DNA position 2785, G replaced by C.
Protein change: p.Gly929Arg; replaces glycine 929 with arginine.
Molecular consequence: missense variant. On other transcripts: 5 prime UTR variant (2).
Genome position (GRCh38, 1-based): chr15:40,217,602, G>C. VCF-style: chr15-40217602-G-C. GRCh37 (hg19) VCF-style: chr15-40509803-G-C.
Other names: c.-183G>C (NM_001128629.3); c.-266G>C (NM_001128628.3); short protein forms G929R.
Identifiers: ClinVar variation 5033554 (VCV005033554.1).